The following is an entry in ClinVar:

ClinVar aggregate classification (germline): Uncertain significance. Review status: criteria provided, multiple submitters, no conflicts (2 of 4 stars). 2 submissions from 2 submitters: Uncertain significance (2). Last evaluated 2026-04-21.

Conditions:
Hereditary cancer-predisposing syndrome. Also called: Tumor predisposition; Neoplastic Syndromes, Hereditary; Hereditary neoplastic syndrome; Hereditary Cancer Syndrome. Identifiers: Orphanet 140162, MedGen C0027672, MeSH D009386, MONDO:0015356.

Submissions (2):

Ambry Genetics
Classification: Uncertain significance for Hereditary cancer-predisposing syndrome. Last evaluated: 2026-04-21. Review status: criteria provided, single submitter. Criteria: Ambry Variant Classification Scheme 2023. Collection method: clinical testing. Allele origin: germline.
Comment: The p.D1077N variant (also known as c.3229G>A), located in coding exon 23 of the MSH3 gene, results from a G to A substitution at nucleotide position 3229. The aspartic acid at codon 1077 is replaced by asparagine, an amino acid with highly similar properties. This amino acid position is well conserved in available vertebrate species. In addition, this alteration is predicted to be tolerated by in silico analysis. Based on the available evidence, the clinical significance of this variant remains unclear.

Labcorp Genetics (formerly Invitae), Labcorp
Classification: Uncertain significance. Last evaluated: 2022-08-22. Review status: criteria provided, single submitter. Criteria: Invitae Variant Classification Sherloc (09022015). Collection method: clinical testing. Allele origin: germline.
Comment: In summary, the available evidence is currently insufficient to determine the role of this variant in disease. Therefore, it has been classified as a Variant of Uncertain Significance. Algorithms developed to predict the effect of missense changes on protein structure and function (SIFT, PolyPhen-2, Align-GVGD) all suggest that this variant is likely to be tolerated. ClinVar contains an entry for this variant (Variation ID: 843344). This variant has not been reported in the literature in individuals affected with MSH3-related conditions. This variant is not present in population databases (gnomAD no frequency). This sequence change replaces aspartic acid, which is acidic and polar, with asparagine, which is neutral and polar, at codon 1077 of the MSH3 protein (p.Asp1077Asn).

NM_002439.5(MSH3):c.3229G>A (p.Asp1077Asn)

Gene: MSH3 (mutS homolog 3; plus strand). Cytogenetic location: 5q14.1.
Variant type: single nucleotide variant.
Coding change: c.3229G>A on transcript NM_002439.5 (MANE Select); coding-DNA position 3229, G replaced by A.
Protein change: p.Asp1077Asn; replaces aspartic acid 1077 with asparagine.
Molecular consequence: missense variant.
Genome position (GRCh38, 1-based): chr5:80,873,214, G>A. VCF-style: chr5-80873214-G-A. GRCh37 (hg19) VCF-style: chr5-80169033-G-A.
Other names: c.3229G>A (NM_002439.3); short protein forms D1077N.
Identifiers: ClinVar variation 843344 (VCV000843344.10), dbSNP rs1746252250, ClinGen allele CA360346985.